The following is an entry in ClinVar:

NM_025137.4(SPG11):c.3425C>G (p.Ser1142Cys)

Gene: SPG11 (SPG11 vesicle trafficking associated, spatacsin; minus strand). Cytogenetic location: 15q21.1.
Variant type: single nucleotide variant.
Coding change: c.3425C>G on transcript NM_025137.4 (MANE Select); coding-DNA position 3425, C replaced by G.
Protein change: p.Ser1142Cys; replaces serine 1142 with cysteine.
Molecular consequence: missense variant.
Genome position (GRCh38, 1-based): chr15:44,608,472, G>C on the plus strand (C>G on the coding strand, the complement: SPG11 is on the minus strand). VCF-style: chr15-44608472-G-C. GRCh37 (hg19) VCF-style: chr15-44900670-G-C.
Other names: c.3425C>G, p.Ser1142Cys (NM_001160227.2); short protein forms S1142C.
Identifiers: ClinVar variation 406532 (VCV000406532.37), dbSNP rs201082396, ClinGen allele CA7534986.

ClinVar aggregate classification (germline): Conflicting classifications of pathogenicity. Review status: criteria provided, conflicting classifications (1 of 4 stars). 15 submissions from 13 submitters: Uncertain significance (14); Likely benign (1). Last evaluated 2026-10-20.

Conditions:
SPG11-related disorder. Also called: SPG11-related condition.
Charcot-Marie-Tooth disease axonal type 2X. Also called: CHARCOT-MARIE-TOOTH DISEASE, AXONAL, AUTOSOMAL RECESSIVE, TYPE 2X; CHARCOT-MARIE-TOOTH NEUROPATHY, TYPE 2X. Identifiers: Orphanet 466775, MedGen C5569024, MONDO:0014726, OMIM 616668.
Amyotrophic lateral sclerosis (ALS). Also called: Charcot disease; Lou Gehrig disease. Identifiers: Orphanet 803, MedGen C0002736, MONDO:0004976, HP:0007354.
Amyotrophic lateral sclerosis type 5 (ALS5). Also called: AMYOTROPHIC LATERAL SCLEROSIS 5, JUVENILE. Identifiers: Orphanet 300605, MedGen C1865864, MONDO:0011196, OMIM 602099.
Hereditary spastic paraplegia. Also called: Familial spastic paraparesis. Identifiers: Orphanet 685, MedGen C0037773, MONDO:0019064. Disease mechanism: loss of function.
Hereditary spastic paraplegia 11. Also called: Spastic Paraplegia 11; Nakamura Osame syndrome; Autosomal recessive hereditary spastic paraplegia, mental impairment, and thin corpus callosum; Spastic paraplegia, mental retardation and thin corpus callosum; SPASTIC PARAPLEGIA, AUTOSOMAL RECESSIVE, COMPLICATED, WITH THIN CORPUS CALLOSUM; SPASTIC PARAPLEGIA, AUTOSOMAL RECESSIVE, WITH MENTAL IMPAIRMENT AND THIN CORPUS CALLOSUM. Identifiers: Orphanet 2822, MedGen C1858479, MONDO:0011445, OMIM 604360.

Allele frequency attached by ClinVar (database versions not stated): gnomAD 0.00005 and 0.00007; ESP Exome Variant Server 0.00008; TOPMed 0.00008; gnomAD exomes 0.00009 and 0.00010; ExAC 0.00011.
gnomAD v4.1: 146 of 1,614,142 alleles (0.009%); highest among the groups gnomAD compares: Middle Eastern, 0.25%; no homozygotes.

Submissions (15):

GeneDx
Classification: Uncertain significance. Last evaluated: 2026-10-20. Review status: criteria provided, single submitter. Criteria: GeneDx Variant Classification Process June 2021. Collection method: clinical testing. Allele origin: germline.
Comment: Reported as a heterozygous variant in a patient with ALS in the published literature; however, a second variant in SPG11 was not reported (PMID: 33414559); In silico analysis supports that this missense variant has a deleterious effect on protein structure/function; This variant is associated with the following publications: (PMID: 33414559)

CeGaT Center for Human Genetics Tuebingen
Classification: Uncertain significance. Last evaluated: 2026-09-01. Review status: criteria provided, single submitter. Criteria: CeGaT Center For Human Genetics Tuebingen Variant Classification Criteria Version 2. Collection method: clinical testing. Allele origin: germline. Affected: yes. Observed: 1 variant allele.
Comment: SPG11: PM2, BP4

Labcorp Genetics (formerly Invitae), Labcorp
Classification: Likely benign for Hereditary spastic paraplegia 11. Last evaluated: 2026-02-03. Review status: criteria provided, single submitter. Criteria: Invitae Variant Classification Sherloc (09022015). Collection method: clinical testing. Allele origin: germline.

PreventionGenetics, part of Exact Sciences
Classification: Uncertain significance for SPG11-related condition. Last evaluated: 2025-12-10. Review status: criteria provided, single submitter. Criteria: ACMG Guidelines, 2015. Collection method: clinical testing. Allele origin: germline.
Comment: The SPG11 c.3425C>G variant is predicted to result in the amino acid substitution p.Ser1142Cys. This variant has been noted in an individual with amyotrophic lateral sclerosis (ALS, Borg et al. 2021. PubMed ID: 33414559). This variant is reported in 0.023% of alleles in individuals of South Asian descent in gnomAD. At this time, the clinical significance of this variant is uncertain due to the absence of conclusive functional and genetic evidence.

Women's Health and Genetics/Laboratory Corporation of America, LabCorp
Classification: Uncertain significance. Last evaluated: 2025-11-03. Review status: criteria provided, single submitter. Criteria: LabCorp Variant Classification Summary - May 2015. Collection method: clinical testing. Allele origin: germline.
Comment: Variant summary: SPG11 c.3425C>G (p.Ser1142Cys) results in a non-conservative amino acid change in the encoded protein sequence. Algorithms developed to predict the effect of missense changes on protein structure and function are either unavailable or do not agree on the potential impact of this missense change. The variant allele was found at a frequency of 9.5e-05 in 251414 control chromosomes (gnomAD). This frequency is not significantly higher than estimated for disease-causing variants in SPG11, allowing no conclusion about variant significance. c.3425C>G has been observed in one individual affected with amyotrophic lateral sclerosis (Borg_2021). The report does not provide unequivocal conclusions about association of the variant with Hereditary spastic paraplegia 11. To our knowledge, no experimental evidence demonstrating an impact on protein function has been reported. The following publication have been ascertained in the context of this evaluation (PMID: 33414559). ClinVar contains an entry for this variant (Variation ID: 406532). Based on the evidence outlined above, the variant was classified as uncertain significance.

Blueprint Genetics
Classification: Uncertain significance. Last evaluated: 2024-11-13. Review status: criteria provided, single submitter. Criteria: ACMG Guidelines, 2015. Collection method: clinical testing. Allele origin: germline.

Fulgent Genetics
Classification: Uncertain significance for Amyotrophic lateral sclerosis type 5; Hereditary spastic paraplegia 11; Charcot-Marie-Tooth disease axonal type 2X. Last evaluated: 2022-05-18. Review status: criteria provided, single submitter. Criteria: ACMG Guidelines, 2015. Collection method: clinical testing. Allele origin: unknown.

Genome Diagnostics Laboratory, The Hospital for Sick Children
Classification: Uncertain significance for Hereditary spastic paraplegia. Last evaluated: 2021-03-30. Review status: criteria provided, single submitter. Criteria: ACMG Guidelines, 2015. Collection method: clinical testing. Allele origin: germline. Affected: yes.

UM ALS/MND Lab, University Of Malta
Classification: Uncertain significance for Amyotrophic lateral sclerosis. Last evaluated: 2020-09-09. Review status: criteria provided, single submitter. Criteria: ACMG Guidelines, 2015. Collection method: case-control. Allele origin: unknown. Affected: yes. Observed: 1 variant allele.
Comment: Single heterozygote

Mayo Clinic Laboratories, Mayo Clinic
Classification: Uncertain significance. Last evaluated: 2019-04-01. Review status: criteria provided, single submitter. Criteria: ACMG Guidelines, 2015. Collection method: clinical testing. Allele origin: germline. Observed: 1 variant allele.

Illumina Laboratory Services, Illumina
Classification: Uncertain significance for Hereditary spastic paraplegia 11. Last evaluated: 2018-01-13. Review status: criteria provided, single submitter. Criteria: ICSL Variant Classification Criteria 13 December 2019. Collection method: clinical testing. Allele origin: germline.

Breakthrough Genomics
Classification: Uncertain significance. Review status: criteria provided, single submitter. Criteria: ACMG Guidelines, 2015. Collection method: not provided. Allele origin: germline. Inheritance: Autosomal recessive inheritance. Affected: yes.

Genome-Nilou Lab
Classification: Uncertain significance for Amyotrophic lateral sclerosis type 5. Review status: criteria provided, single submitter. Criteria: ACMG Guidelines, 2015. Collection method: clinical testing. Allele origin: germline.

Genome-Nilou Lab
Classification: Uncertain significance for Charcot-Marie-Tooth disease axonal type 2X. Review status: criteria provided, single submitter. Criteria: ACMG Guidelines, 2015. Collection method: clinical testing. Allele origin: germline.

Genome-Nilou Lab
Classification: Uncertain significance for Hereditary spastic paraplegia 11. Review status: criteria provided, single submitter. Criteria: ACMG Guidelines, 2015. Collection method: clinical testing. Allele origin: germline.

Literature cited by the submitters: PubMed 33414559 (cited by Women's Health and Genetics/Laboratory Corporation of America, LabCorp).